The following is an entry in ClinVar:

NM_000057.4(BLM):c.2729G>C (p.Arg910Thr)

Gene: BLM (BLM RecQ like helicase; plus strand). Cytogenetic location: 15q26.1.
Variant type: single nucleotide variant.
Coding change: c.2729G>C on transcript NM_000057.4 (MANE Select); coding-DNA position 2729, G replaced by C.
Protein change: p.Arg910Thr; replaces arginine 910 with threonine.
Molecular consequence: missense variant.
Genome position (GRCh38, 1-based): chr15:90,784,987, G>C. VCF-style: chr15-90784987-G-C. GRCh37 (hg19) VCF-style: chr15-91328217-G-C.
Other names: c.2729G>C, p.Arg910Thr (NM_001287246.2, NM_001287247.2); c.1604G>C, p.Arg535Thr (NM_001287248.2); c.2729G>C (NM_000057.2); short protein forms R910T, R535T.
Identifiers: ClinVar variation 573922 (VCV000573922.13), dbSNP rs1567053290, ClinGen allele CA393845984.

ClinVar aggregate classification (germline): Uncertain significance. Review status: criteria provided, multiple submitters, no conflicts (2 of 4 stars). 3 submissions from 3 submitters: Uncertain significance (2). 1 of the submissions does not count toward it. Last evaluated 2025-12-08.

Conditions:
Hereditary cancer-predisposing syndrome. Also called: Neoplastic Syndromes, Hereditary; Hereditary Cancer Syndrome; Tumor predisposition; Hereditary neoplastic syndrome. Identifiers: Orphanet 140162, MedGen C0027672, MeSH D009386, MONDO:0015356.
Bloom syndrome (BLM). Also called: Bloom-Torre-Machacek syndrome. Identifiers: Orphanet 125, MedGen C0005859, MONDO:0008876, OMIM 210900.

Allele frequency attached by ClinVar (database versions not stated): TOPMed below 0.00001; gnomAD exomes 0.00001.
gnomAD v4.1: 13 of 1,614,192 alleles (0.00081%); highest among the groups gnomAD compares: Non-Finnish European, 0.00093%; no homozygotes.

Submissions (3):

Labcorp Genetics (formerly Invitae), Labcorp
Classification: Uncertain significance for Bloom syndrome. Last evaluated: 2025-12-08. Review status: criteria provided, single submitter. Criteria: Invitae Variant Classification Sherloc (09022015). Collection method: clinical testing. Allele origin: germline.
Comment: This sequence change replaces arginine, which is basic and polar, with threonine, which is neutral and polar, at codon 910 of the BLM protein (p.Arg910Thr). This variant is not present in population databases (gnomAD no frequency). This variant has not been reported in the literature in individuals affected with BLM-related conditions. ClinVar contains an entry for this variant (Variation ID: 573922). Invitae Evidence Modeling of protein sequence and biophysical properties (such as structural, functional, and spatial information, amino acid conservation, physicochemical variation, residue mobility, and thermodynamic stability) indicates that this missense variant is not expected to disrupt BLM protein function with a negative predictive value of 80%. In summary, the available evidence is currently insufficient to determine the role of this variant in disease. Therefore, it has been classified as a Variant of Uncertain Significance.

Ambry Genetics
Classification: Uncertain significance for Hereditary cancer-predisposing syndrome. Last evaluated: 2024-03-12. Review status: criteria provided, single submitter. Criteria: Ambry Variant Classification Scheme 2023. Collection method: clinical testing. Allele origin: germline.
Comment: The p.R910T variant (also known as c.2729G>C), located in coding exon 13 of the BLM gene, results from a G to C substitution at nucleotide position 2729. The arginine at codon 910 is replaced by threonine, an amino acid with similar properties. This amino acid position is conserved. In addition, this alteration is predicted to be tolerated by in silico analysis. Since supporting evidence is limited at this time, the clinical significance of this alteration remains unclear.

Natera, Inc.
Classification: Uncertain significance for Bloom syndrome. Last evaluated: 2020-11-16. Review status: no assertion criteria provided. Collection method: clinical testing. Allele origin: germline. Not counted in ClinVar's aggregate classification.